The following is an entry in ClinVar:

NM_001048174.2(MUTYH):c.1541A>G (p.His514Arg)

Gene: MUTYH (mutY DNA glycosylase; minus strand). Cytogenetic location: 1p34.1.
Variant type: single nucleotide variant.
Coding change: c.1541A>G on transcript NM_001048174.2 (MANE Select); coding-DNA position 1541, A replaced by G.
Protein change: p.His514Arg; replaces histidine 514 with arginine.
Molecular consequence: missense variant. On other transcripts: non-coding transcript variant (7).
Genome position (GRCh38, 1-based): chr1:45,329,331, T>C on the plus strand (A>G on the coding strand, the complement: MUTYH is on the minus strand). VCF-style: chr1-45329331-T-C. GRCh37 (hg19) VCF-style: chr1-45795003-T-C.
Other names: c.1541A>G, p.His514Arg (NM_001048171.2, NM_001048173.2, NM_001407081.1 and 6 more transcripts); c.1544A>G, p.His515Arg (NM_001048172.2, NM_001407078.1, NM_001407086.1 and 1 more transcripts); c.1625A>G, p.His542Arg (NM_001128425.2); c.1586A>G, p.His529Arg (NM_001293190.2); c.1574A>G, p.His525Arg (NM_001293191.2, NM_001407077.1, NM_001407069.1); c.1265A>G, p.His422Arg (NM_001293192.2, NM_001293196.2, NM_001407091.1); c.1502A>G, p.His501Arg (NM_001407079.1); c.1499A>G, p.His500Arg (NM_001407080.1); and 5 more; short protein forms H399R, H422R, H486R, H500R, H501R, H514R, H515R, H521R.
Identifiers: ClinVar variation 3071271 (VCV003071271.2), dbSNP rs2523730501, ClinGen allele CA340131549.

ClinVar aggregate classification (germline): Uncertain significance. Review status: criteria provided, multiple submitters, no conflicts (2 of 4 stars). 2 submissions from 2 submitters: Uncertain significance (2). Last evaluated 2025-08-27.

Conditions:
Hereditary cancer-predisposing syndrome. Also called: Tumor predisposition; Hereditary Cancer Syndrome; Hereditary neoplastic syndrome; Neoplastic Syndromes, Hereditary. Identifiers: Orphanet 140162, MedGen C0027672, MeSH D009386, MONDO:0015356.
Familial adenomatous polyposis 2. Also called: COLORECTAL ADENOMATOUS POLYPOSIS, AUTOSOMAL RECESSIVE; ADENOMAS, MULTIPLE COLORECTAL, AUTOSOMAL RECESSIVE; MYH-associated polyposis; MUTYH-associated polyposis; MUTYH-related attenuated familial adenomatous polyposis; MUTYH Polyposis. Identifiers: Orphanet 220460, Orphanet 247798, MedGen C3272841, MONDO:0012041, OMIM 608456.

Submissions (2):

Ambry Genetics
Classification: Uncertain significance for Hereditary cancer-predisposing syndrome. Last evaluated: 2025-08-27. Review status: criteria provided, single submitter. Criteria: Ambry Variant Classification Scheme 2023. Collection method: clinical testing. Allele origin: germline.
Comment: The p.H542R variant (also known as c.1625A>G), located in coding exon 16 of the MUTYH gene, results from an A to G substitution at nucleotide position 1625. The histidine at codon 542 is replaced by arginine, an amino acid with highly similar properties. This amino acid position is conserved. In addition, this alteration is predicted to be tolerated by in silico analysis. Based on the available evidence, the clinical significance of this variant remains unclear.

All of Us Research Program, National Institutes of Health
Classification: Uncertain significance for Familial adenomatous polyposis 2. Last evaluated: 2023-08-15. Review status: criteria provided, single submitter. Criteria: ACMG Guidelines, 2015. Collection method: clinical testing. Allele origin: germline. Inheritance: Autosomal recessive inheritance. Observed: 1 variant allele, 1 heterozygote.
Comment: This missense variant replaces histidine with arginine at codon 542 of the MUTYH protein. Computational prediction tool suggests that this variant may not impact protein structure and function (internally defined REVEL score threshold <=0.5, PMID: 27666373). Splice site prediction tools suggest that this variant may not impact RNA splicing. To our knowledge, functional studies have not been performed for this variant. This variant has not been reported in individuals affected with hereditary cancer in the literature. This variant has not been identified in the general population by the Genome Aggregation Database (gnomAD). The available evidence is insufficient to determine the role of this variant in disease conclusively. Therefore, this variant is classified as a Variant of Uncertain Significance.

This study involves interpretation of variants in research participants for the purpose of population health screening. Participant phenotype was not available at the time of variant classification. Additional details can be found in publication PMID: 35346344, PMCID: PMC8962531